The following is an entry in ClinVar:

ClinVar aggregate classification (germline): Uncertain significance (1 of 4 stars; one submission).

Conditions:
Hereditary cancer-predisposing syndrome. Also called: Neoplastic Syndromes, Hereditary; Tumor predisposition; Hereditary Cancer Syndrome; Hereditary neoplastic syndrome. Identifiers: Orphanet 140162, MedGen C0027672, MeSH D009386, MONDO:0015356.

Submission:

Ambry Genetics
Classification: Uncertain significance for Hereditary cancer-predisposing syndrome. Last evaluated: 2025-12-21. Review status: criteria provided, single submitter. Criteria: Ambry Variant Classification Scheme 2023. Collection method: clinical testing. Allele origin: germline.
Comment: The p.I1263T variant (also known as c.3788T>C), located in coding exon 19 of the BLM gene, results from a T to C substitution at nucleotide position 3788. The isoleucine at codon 1263 is replaced by threonine, an amino acid with similar properties. This amino acid position is conserved. In addition, this alteration is predicted to be deleterious by in silico analysis. Based on the available evidence, the clinical significance of this variant remains unclear.

NM_000057.4(BLM):c.3788T>C (p.Ile1263Thr)

Gene: BLM (BLM RecQ like helicase; plus strand). Cytogenetic location: 15q26.1.
Variant type: single nucleotide variant.
Coding change: c.3788T>C on transcript NM_000057.4 (MANE Select); coding-DNA position 3788, T replaced by C.
Protein change: p.Ile1263Thr; replaces isoleucine 1263 with threonine.
Molecular consequence: missense variant.
Genome position (GRCh38, 1-based): chr15:90,809,173, T>C. VCF-style: chr15-90809173-T-C. GRCh37 (hg19) VCF-style: chr15-91352403-T-C.
Other names: c.3788T>C, p.Ile1263Thr (NM_001287246.2); c.3395T>C, p.Ile1132Thr (NM_001287247.2); c.2663T>C, p.Ile888Thr (NM_001287248.2); short protein forms I888T, I1132T, I1263T.
Identifiers: ClinVar variation 4843390 (VCV004843390.1).
Genomic context (GRCh38, chr15:90,809,173, plus strand): 5'-TCCTAATTTTATGCCTTTGCACAGAATCTTTATCTTCTGATCCTGAGGTTTTGCTTCAAA[T>C]TGATGGTGTTACTGAAGACAAACTGGAAAAATATGGTGCGGAAGTGATTTCAGTATTACA-3'
Protein context (NP_000048.1, residues 1253-1273): LSSDPEVLLQ[Ile1263Thr]DGVTEDKLEK